The following is an entry in ClinVar:

ClinVar aggregate classification (germline): Uncertain significance (1 of 4 stars; one submission).

Allele frequency attached by ClinVar (database versions not stated): gnomAD exomes 0.00001; gnomAD 0.00002; TOPMed 0.00002.
gnomAD v4.1: 25 of 1,613,738 alleles (0.0015%); highest among the groups gnomAD compares: African/African-American, 0.023%; no homozygotes.

Submission:

Labcorp Genetics (formerly Invitae), Labcorp
Classification: Uncertain significance. Last evaluated: 2024-11-05. Review status: criteria provided, single submitter. Criteria: Invitae Variant Classification Sherloc (09022015). Collection method: clinical testing. Allele origin: germline.
Comment: This sequence change replaces methionine, which is neutral and non-polar, with valine, which is neutral and non-polar, at codon 2333 of the FAT4 protein (p.Met2333Val). This variant is present in population databases (rs112817576, gnomAD 0.01%). This variant has not been reported in the literature in individuals affected with FAT4-related conditions. ClinVar contains an entry for this variant (Variation ID: 1908540). Invitae Evidence Modeling of protein sequence and biophysical properties (such as structural, functional, and spatial information, amino acid conservation, physicochemical variation, residue mobility, and thermodynamic stability) indicates that this missense variant is not expected to disrupt FAT4 protein function with a negative predictive value of 80%. In summary, the available evidence is currently insufficient to determine the role of this variant in disease. Therefore, it has been classified as a Variant of Uncertain Significance.

NM_001291303.3(FAT4):c.6997A>G (p.Met2333Val)

Gene: FAT4 (FAT atypical cadherin 4; plus strand). Cytogenetic location: 4q28.1.
Variant type: single nucleotide variant.
Coding change: c.6997A>G on transcript NM_001291303.3 (MANE Select); coding-DNA position 6997, A replaced by G.
Protein change: p.Met2333Val; replaces methionine 2333 with valine.
Molecular consequence: missense variant.
Genome position (GRCh38, 1-based): chr4:125,416,601, A>G. VCF-style: chr4-125416601-A-G. GRCh37 (hg19) VCF-style: chr4-126337756-A-G.
Other names: c.6997A>G, p.Met2333Val (NM_001291285.3, NM_024582.6); short protein forms M2333V.
Identifiers: ClinVar variation 1908540 (VCV001908540.3), dbSNP rs112817576, ClinGen allele CA104855232.